The following is an entry in ClinVar:

NM_004333.6(BRAF):c.122C>T (p.Pro41Leu)

Gene: BRAF (B-Raf proto-oncogene, serine/threonine kinase; minus strand). Cytogenetic location: 7q34.
Variant type: single nucleotide variant.
Coding change: c.122C>T on transcript NM_004333.6 (MANE Select); coding-DNA position 122, C replaced by T.
Protein change: p.Pro41Leu; replaces proline 41 with leucine.
Molecular consequence: missense variant.
Genome position (GRCh38, 1-based): chr7:140,924,582, G>A on the plus strand (C>T on the coding strand, the complement: BRAF is on the minus strand). VCF-style: chr7-140924582-G-A. GRCh37 (hg19) VCF-style: chr7-140624382-G-A.
Other names: c.122C>T, p.Pro41Leu (NM_001354609.2, NM_001374244.1, NM_001374258.1 and 7 more transcripts); short protein forms P41L.
Identifiers: ClinVar variation 3706955 (VCV003706955.2).
Genomic context (GRCh38, chr7:140,924,582, plus strand): 5'-CGAGCCCGGAGTCGGGAGGGCGGCAGGGTGGCGCCAGCACTCACCTCCTCCGGAATGGCA[G>A]GGTCCGCAGCCGAAGAGGCCGCGGCGCCGGCGCCGGCGCCGGCCTCGGGCTCCATGTCCC-3'
Protein context (NP_004324.2, residues 31-51): AGAAASSAAD[Pro41Leu]AIPEEVWNIK

ClinVar aggregate classification (germline): Uncertain significance (1 of 4 stars; one submission).

Conditions:
RASopathy. Also called: rasopathies; Noonan spectrum disorder. Identifiers: Orphanet 536391, MedGen C5555857, MONDO:0021060.

gnomAD v4.1: 6 of 1,531,670 alleles (0.00039%); highest among the groups gnomAD compares: East Asian, 0.0025%; no homozygotes.

Submission:

Labcorp Genetics (formerly Invitae), Labcorp
Classification: Uncertain significance for RASopathy. Last evaluated: 2024-05-25. Review status: criteria provided, single submitter. Criteria: Invitae Variant Classification Sherloc (09022015). Collection method: clinical testing. Allele origin: germline.
Comment: This sequence change replaces proline, which is neutral and non-polar, with leucine, which is neutral and non-polar, at codon 41 of the BRAF protein (p.Pro41Leu). This variant is present in population databases (no rsID available, gnomAD 0.01%). This variant has not been reported in the literature in individuals affected with BRAF-related conditions. Advanced modeling of protein sequence and biophysical properties (such as structural, functional, and spatial information, amino acid conservation, physicochemical variation, residue mobility, and thermodynamic stability) has been performed at Invitae for this missense variant, however the output from this modeling did not meet the statistical confidence thresholds required to predict the impact of this variant on BRAF protein function. In summary, the available evidence is currently insufficient to determine the role of this variant in disease. Therefore, it has been classified as a Variant of Uncertain Significance.